The following is an entry in ClinVar:

ClinVar aggregate classification (germline): Uncertain significance (1 of 4 stars; one submission).

Conditions:
Charcot-Marie-Tooth disease, type I (CMT1). Also called: Charcot-Marie-Tooth disease type 1; Charcot-Marie-Tooth, Type 1. Identifiers: Orphanet 65753, MedGen C0751036, MONDO:0019011.

Submission:

Labcorp Genetics (formerly Invitae), Labcorp
Classification: Uncertain significance for Charcot-Marie-Tooth disease, type I. Last evaluated: 2020-01-21. Review status: criteria provided, single submitter. Criteria: Invitae Variant Classification Sherloc (09022015). Collection method: clinical testing. Allele origin: germline.
Comment: In summary, the available evidence is currently insufficient to determine the role of this variant in disease. Therefore, it has been classified as a Variant of Uncertain Significance. Algorithms developed to predict the effect of missense changes on protein structure and function (SIFT, PolyPhen-2, Align-GVGD) all suggest that this variant is likely to be disruptive, but these predictions have not been confirmed by published functional studies and their clinical significance is uncertain. This variant has not been reported in the literature in individuals with MPZ-related conditions. This variant is not present in population databases (ExAC no frequency). This sequence change replaces valine with glutamic acid at codon 102 of the MPZ protein (p.Val102Glu). The valine residue is highly conserved and there is a moderate physicochemical difference between valine and glutamic acid.

NM_000530.8(MPZ):c.305T>A (p.Val102Glu)

Gene: MPZ (myelin protein zero; minus strand). Cytogenetic location: 1q23.3.
Variant type: single nucleotide variant.
Coding change: c.305T>A on transcript NM_000530.8 (MANE Select); coding-DNA position 305, T replaced by A.
Protein change: p.Val102Glu; replaces valine 102 with glutamic acid.
Molecular consequence: missense variant.
Genome position (GRCh38, 1-based): chr1:161,306,851, A>T on the plus strand (T>A on the coding strand, the complement: MPZ is on the minus strand). VCF-style: chr1-161306851-A-T. GRCh37 (hg19) VCF-style: chr1-161276641-A-T.
Other names: c.305T>A, p.Val102Glu (NM_001315491.2); short protein forms V102E.
Identifiers: ClinVar variation 1056828 (VCV001056828.9), dbSNP rs2102259119, ClinGen allele CA343349484.
Genomic context (GRCh38, chr1:161,306,851, plus strand): 5'-TTGTCACTGTAGTCTAGGTTGTGTATGACAATGGAGCCATCCTTCCAGCGAGGGTCCCCT[A>T]CCCACTGGATGCGCTCTTTGAAGGTCCCCACCTCGTCAATGTAGGGTTGTCCCTTGGCAT-3'
Protein context (NP_000521.2, residues 92-112): VGTFKERIQW[Val102Glu]GDPRWKDGSI